The following is an entry in ClinVar:

NM_000533.5(PLP1):c.2T>C (p.Met1Thr)

Genes: RAB9B (RAB9B, member RAS oncogene family; minus strand), PLP1 (proteolipid protein 1; plus strand). Cytogenetic location: Xq22.2.
Variant type: single nucleotide variant.
Coding change: c.2T>C on transcript NM_000533.5 (MANE Select); coding-DNA position 2, T replaced by C.
Protein change: p.Met1Thr; changes the start codon (methionine 1).
Molecular consequence: missense variant, initiator codon variant.
Genome position (GRCh38, 1-based): chrX:103,776,997, T>C. VCF-style: chrX-103776997-T-C. GRCh37 (hg19) VCF-style: chrX-103031925-T-C.
Other names: c.2T>C, p.Met1Thr (NM_001128834.3, NM_001305004.1, NM_199478.3); short protein forms M1T.
Identifiers: ClinVar variation 219649 (VCV000219649.4), dbSNP rs864622194, ClinGen allele CA348083.

ClinVar aggregate classification (germline): Pathogenic. Review status: criteria provided, multiple submitters, no conflicts (2 of 4 stars). 2 submissions from 2 submitters: Pathogenic (2). Last evaluated 2020-12-30.

Conditions:
Inborn genetic diseases. Identifiers: MedGen C0950123, MeSH D030342.
Hereditary spastic paraplegia 2 (SPG2). Also called: Spastic Paraplegia 2 (SPG2); SPASTIC PARAPLEGIA 2, X-LINKED. Identifiers: Orphanet 99015, MedGen C0751604, MONDO:0010733, OMIM 312920.

Submissions (2):

Ambry Genetics
Classification: Pathogenic for Inborn genetic diseases. Last evaluated: 2020-12-30. Review status: criteria provided, single submitter. Criteria: Ambry Variant Classification Scheme 2023. Collection method: clinical testing. Allele origin: germline.
Comment: The c.2T>C (p.M1?) alteration is located in coding exon 1 of the PLP1 gene and results from a T to C substitution at nucleotide position 2. This alters the methionine residue at the initiation codon (ATG). Sequence variations that modify the initiation codon are expected to result in either loss of translation initiation, N-terminal truncation, or cause a shift in the mRNA reading frame. Based on data from the Genome Aggregation Database (gnomAD), the PLP1 c.2T>C alteration was not observed, with coverage at this position. This alteration was previously reported in a patient with sporadic Pelizaeus-Merzbacher Disease (Mimault, 1999). Other alterations affecting the initiation codon, c.1A>G, c.2T>G, and c.3G>A, were described in families affected with hereditary spastic paraplegia or PMD (Hand, 2012; Hebbar, 2018; Plecko, 2003). The p.M1 amino acid is conserved in available vertebrate species. Based on the available evidence, this alteration is classified as pathogenic.

Labcorp Genetics (formerly Invitae), Labcorp
Classification: Pathogenic for Hereditary spastic paraplegia 2. Last evaluated: 2015-07-29. Review status: criteria provided, single submitter. Criteria: Invitae Variant Classification Sherloc (09022015). Collection method: clinical testing. Allele origin: germline.
Comment: This sequence change affects the initiator methionine of the PLP1 mRNA. This variant has been reported in the literature and is not present in population databases. This variant was reported in 2 individuals affected with Pelizaeus-Merzbacher disease. Currently there is insufficient evidence to conclude whether this variant segregates with disease or not (PMID: 10417279, 18470932). Different mutations in the initiator codon (p.Met1Val, p.Met1Ile, p.Met1Arg) have been reported in patients affected with Pelizaeus-Merzbacher disease (PMID: 12910435, 8786077, 22343157), indicating that this residue may be critical for protein function. An experimental study using RT-PCR from one patient's fibroblasts has shown that this missense change causes loss of transcript (PMID: 18470932). For these reasons, this variant has been classified as Pathogenic.

Literature cited by the submitters: PubMed 10417279 (cited by Ambry Genetics); PubMed 12910435 (cited by Ambry Genetics); PubMed 22343157 (cited by Ambry Genetics); PubMed 30337681 (cited by Ambry Genetics).